The following is an entry in ClinVar:

ClinVar aggregate classification (germline): Conflicting classifications of pathogenicity. Review status: criteria provided, conflicting classifications (1 of 4 stars). 3 submissions from 3 submitters: Likely pathogenic (2); Uncertain significance (1). Last evaluated 2021-12-29.

Conditions:
Cone dystrophy with supernormal rod response (CDSRR). Also called: CONE DYSTROPHY WITH SUPERNORMAL ROD RESPONSES. Identifiers: Orphanet 209932, MedGen C1835897, MONDO:0012475, OMIM 610356.
KCNV2-related disorder. Also called: KCNV2-related condition.

gnomAD v4.1: 4 of 1,609,612 alleles (0.00025%); highest among the groups gnomAD compares: Non-Finnish European, 0.00034%; no homozygotes.

Submissions (3):

Labcorp Genetics (formerly Invitae), Labcorp
Classification: Likely pathogenic. Last evaluated: 2021-12-29. Review status: criteria provided, single submitter. Criteria: Invitae Variant Classification Sherloc (09022015). Collection method: clinical testing. Allele origin: germline.
Comment: In summary, the currently available evidence indicates that the variant is pathogenic, but additional data are needed to prove that conclusively. Therefore, this variant has been classified as Likely Pathogenic. This variant disrupts the p.Trp450 amino acid residue in KCNV2. Other variant(s) that disrupt this residue have been determined to be pathogenic (PMID: 17896311, 23115240). This suggests that this residue is clinically significant, and that variants that disrupt this residue are likely to be disease-causing. Advanced modeling of protein sequence and biophysical properties (such as structural, functional, and spatial information, amino acid conservation, physicochemical variation, residue mobility, and thermodynamic stability) performed at Invitae indicates that this missense variant is expected to disrupt KCNV2 protein function. ClinVar contains an entry for this variant (Variation ID: 913139). This missense change has been observed in individual(s) with achromatopsia (PMID: 21882291). This variant is present in population databases (no rsID available, gnomAD 0.0009%). This sequence change replaces tryptophan, which is neutral and slightly polar, with arginine, which is basic and polar, at codon 450 of the KCNV2 protein (p.Trp450Arg).

Blueprint Genetics
Classification: Likely pathogenic for KCNV2-related disorders. Last evaluated: 2019-10-18. Review status: criteria provided, single submitter. Criteria: ACMG Guidelines, 2015. Collection method: clinical testing. Allele origin: germline. Affected: yes. Observed: 1 variant allele.

Illumina Laboratory Services, Illumina
Classification: Uncertain significance for Cone dystrophy with supernormal rod response. Last evaluated: 2017-04-27. Review status: criteria provided, single submitter. Criteria: ICSL Variant Classification Criteria 13 December 2019. Collection method: clinical testing. Allele origin: germline.
Comment: This variant was observed as part of a predisposition screen in an ostensibly healthy population. A literature search was performed for the gene, cDNA change, and amino acid change (where applicable). Publications were found based on this search. However, the evidence from the literature, in combination with allele frequency data from public databases where available, was not sufficient to rule this variant in or out of causing disease. Therefore, this variant is classified as a variant of unknown significance.

Literature cited by the submitters: PubMed 17896311 (cited by Labcorp Genetics (formerly Invitae), Labcorp); PubMed 23115240 (cited by Labcorp Genetics (formerly Invitae), Labcorp); PubMed 21882291 (cited by Labcorp Genetics (formerly Invitae), Labcorp and Illumina Laboratory Services, Illumina).

NM_133497.4(KCNV2):c.1348T>A (p.Trp450Arg)

Gene: KCNV2 (potassium voltage-gated channel modifier subfamily V member 2; plus strand). Cytogenetic location: 9p24.2.
Variant type: single nucleotide variant.
Coding change: c.1348T>A on transcript NM_133497.4 (MANE Select); coding-DNA position 1348, T replaced by A.
Protein change: p.Trp450Arg; replaces tryptophan 450 with arginine.
Molecular consequence: missense variant.
Genome position (GRCh38, 1-based): chr9:2,719,087, T>A. VCF-style: chr9-2719087-T-A. GRCh37 (hg19) VCF-style: chr9-2719087-T-A.
Other names: short protein forms W450R.
Identifiers: ClinVar variation 913139 (VCV000913139.10), dbSNP rs748180390, ClinGen allele CA372802776.